The following is an entry in ClinVar:

ClinVar aggregate classification (germline): Likely benign. Review status: criteria provided, multiple submitters, no conflicts (2 of 4 stars). 2 submissions from 2 submitters: Likely benign (2). Last evaluated 2018-06-16.

Allele frequency attached by ClinVar (database versions not stated): TOPMed 0.01399; gnomAD 0.01541 and 0.01719; 1000 Genomes Project 30x 0.01952; 1000 Genomes Project 0.02057.
gnomAD v4.1: 23,237 of 1,006,108 alleles (2.3%); highest among the groups gnomAD compares: South Asian, 6.4%; 401 homozygotes.

Submissions (2):

GeneDx
Classification: Likely benign. Last evaluated: 2018-06-16. Review status: criteria provided, single submitter. Criteria: GeneDx Variant Classification (06012015). Collection method: clinical testing. Allele origin: germline. Affected: yes.
Comment: This variant is considered likely benign or benign based on one or more of the following criteria: it is a conservative change, it occurs at a poorly conserved position in the protein, it is predicted to be benign by multiple in silico algorithms, and/or has population frequency not consistent with disease.

Breakthrough Genomics
Classification: Likely benign. Review status: criteria provided, single submitter. Criteria: ACMG Guidelines, 2015. Collection method: not provided. Allele origin: germline. Inheritance: Autosomal recessive inheritance. Affected: yes.

NM_016156.6(MTMR2):c.654+77C>T

Gene: MTMR2 (myotubularin related protein 2; minus strand). Cytogenetic location: 11q21.
Variant type: single nucleotide variant.
Coding change: c.654+77C>T on transcript NM_016156.6 (MANE Select); 77 bases into the intron after coding-DNA position 654, C replaced by T.
Molecular consequence: intron variant.
Genome position (GRCh38, 1-based): chr11:95,857,475, G>A on the plus strand (C>T on the coding strand, the complement: MTMR2 is on the minus strand). VCF-style: chr11-95857475-G-A. GRCh37 (hg19) VCF-style: chr11-95590639-G-A.
Other names: c.438+77C>T (NM_201281.3, NM_201278.3, NM_001243571.2).
Identifiers: ClinVar variation 672977 (VCV000672977.2), dbSNP rs143256055, ClinGen allele CA15675993.